The following is an entry in ClinVar:

ClinVar aggregate classification (germline): Benign/Likely benign. Review status: criteria provided, multiple submitters, no conflicts (2 of 4 stars). 6 submissions from 6 submitters: Benign (2); Likely benign (3). 1 of the submissions does not count toward it. Last evaluated 2026-01-29.

Conditions:
ASXL1-related disorder. Also called: ASXL1-related disorders; ASXL1-related condition.
Bohring-Opitz syndrome. Also called: C-LIKE SYNDROME; BOHRING SYNDROME; ASXL1-Related Bohring-Opitz Syndrome; OPITZ TRIGONOCEPHALY-LIKE SYNDROME. Identifiers: Orphanet 97297, MedGen C0796232, MONDO:0011510, OMIM 605039.

Allele frequency attached by ClinVar (database versions not stated): gnomAD exomes 0.00029 and 0.00077; ExAC 0.00098; 1000 Genomes Project 30x 0.00219; 1000 Genomes Project 0.00240; gnomAD 0.00308 and 0.00341; TOPMed 0.00331; ESP Exome Variant Server 0.00392.
gnomAD v4.1: 893 of 1,614,136 alleles (0.055%); highest among the groups gnomAD compares: African/African-American, 1.1%; 3 homozygotes.

Submissions (6):

Labcorp Genetics (formerly Invitae), Labcorp
Classification: Benign. Last evaluated: 2026-01-29. Review status: criteria provided, single submitter. Criteria: Invitae Variant Classification Sherloc (09022015). Collection method: clinical testing. Allele origin: germline.

CeGaT Center for Human Genetics Tuebingen
Classification: Likely benign. Last evaluated: 2024-09-01. Review status: criteria provided, single submitter. Criteria: CeGaT Center For Human Genetics Tuebingen Variant Classification Criteria Version 2. Collection method: clinical testing. Allele origin: germline. Affected: yes. Observed: 2 variant alleles.
Comment: ASXL1: BS1

Blueprint Genetics
Classification: Likely benign. Last evaluated: 2024-07-04. Review status: criteria provided, single submitter. Criteria: ACMG Guidelines, 2015. Collection method: clinical testing. Allele origin: germline.

Genome-Nilou Lab
Classification: Benign for Bohring-Opitz syndrome. Last evaluated: 2021-12-05. Review status: criteria provided, single submitter. Criteria: ACMG Guidelines, 2015. Collection method: clinical testing. Allele origin: germline. Affected: no.

GeneDx
Classification: Likely benign. Last evaluated: 2021-06-14. Review status: criteria provided, single submitter. Criteria: GeneDx Variant Classification Process June 2021. Collection method: clinical testing. Allele origin: germline. Affected: yes.

PreventionGenetics, part of Exact Sciences
Classification: Benign for ASXL1-related condition. Last evaluated: 2019-05-06. Review status: no assertion criteria provided. Collection method: clinical testing. Allele origin: germline. Not counted in ClinVar's aggregate classification.
Comment: This variant is classified as benign based on ACMG/AMP sequence variant interpretation guidelines (Richards et al. 2015 PMID: 25741868, with internal and published modifications).

NM_015338.6(ASXL1):c.540C>T (p.Asn180=)

Gene: ASXL1 (ASXL transcriptional regulator 1; plus strand). Cytogenetic location: 20q11.21.
Variant type: single nucleotide variant.
Coding change: c.540C>T on transcript NM_015338.6 (MANE Select); coding-DNA position 540, C replaced by T.
Protein change: p.Asn180=; no amino-acid change (asparagine 180 retained).
Molecular consequence: synonymous variant.
Genome position (GRCh38, 1-based): chr20:32,429,406, C>T. VCF-style: chr20-32429406-C-T. GRCh37 (hg19) VCF-style: chr20-31017209-C-T.
Other names: c.510C>T, p.Asn170= (NM_001363734.1).
Identifiers: ClinVar variation 709515 (VCV000709515.32), dbSNP rs74346706, ClinGen allele CA9808117.